The following is an entry in ClinVar:

NM_015378.4(VPS13D):c.12794+6_12794+9del

Gene: VPS13D (vacuolar protein sorting 13 homolog D; plus strand). Cytogenetic location: 1p36.22.
Variant type: Deletion.
Coding change: c.12794+6_12794+9del on transcript NM_015378.4 (MANE Select); bases 6 to 9 of the intron after coding-DNA position 12794, 4 bases deleted (TTAG; older notation c.12794+6_12794+9delTTAG).
Molecular consequence: intron variant.
Genome position (GRCh38, 1-based): chr1:12,497,637-12,497,640, TTAG deleted; deleting any 4 consecutive bases within chr1:12,497,635-12,497,640 gives the same sequence; the c. name uses the placement nearest the transcript's 3' end. VCF-style (leftmost placement, unchanged base first): chr1-12497634-AAGTT-A. GRCh37 (hg19) VCF-style: chr1-12557688-AAGTT-A.
Other names: c.12719+6_12719+9del (NM_018156.4).
Identifiers: ClinVar variation 1500282 (VCV001500282.4), dbSNP rs748896591, ClinGen allele CA604298.
Genomic context (GRCh38, chr1:12,497,634, plus strand): 5'-GCCAGGCGGAAGGACAGGAGCAGCTCTTCAAACTCACAGACAACATACAGGACGAATTGT[AAGTT>A]AGAGCATGGGAAACCAGCCCTGTGGGTCTACTGAGTTGCCTCTTCTTTTGATCCTGAGAA-3'

ClinVar aggregate classification (germline): Uncertain significance (1 of 4 stars; one submission).

Submission:

Labcorp Genetics (formerly Invitae), Labcorp
Classification: Uncertain significance. Last evaluated: 2025-10-14. Review status: criteria provided, single submitter. Criteria: Invitae Variant Classification Sherloc (09022015). Collection method: clinical testing. Allele origin: germline.
Comment: This sequence change falls in intron 68 of the VPS13D gene. It does not directly change the encoded amino acid sequence of the VPS13D protein. It affects a nucleotide within the consensus splice site. This variant is present in population databases (rs748896591, gnomAD 0.04%). This variant has not been reported in the literature in individuals affected with VPS13D-related conditions. ClinVar contains an entry for this variant (Variation ID: 1500282). Variants that disrupt the consensus splice site are a relatively common cause of aberrant splicing (PMID: 17576681, 9536098). Algorithms developed to predict the effect of sequence changes on RNA splicing suggest that this variant is not likely to affect RNA splicing. In summary, the available evidence is currently insufficient to determine the role of this variant in disease. Therefore, it has been classified as a Variant of Uncertain Significance.

Literature cited by the submitters: PubMed 17576681; PubMed 9536098.